The following is an entry in ClinVar:

ClinVar aggregate classification (germline): Conflicting classifications of pathogenicity. Review status: criteria provided, conflicting classifications (1 of 4 stars). 9 submissions from 9 submitters: Uncertain significance (6); Benign (1); Likely benign (2). Last evaluated 2025-12-22.

Conditions:
Hereditary breast ovarian cancer syndrome. Also called: Hereditary breast and ovarian cancer syndrome; Hereditary breast and ovarian cancer syndrome (HBOC); Hereditary breast and/or ovarian cancer syndrome; Hereditary breast and ovarian cancer; Breast and ovarian cancer; BRCA1- and BRCA2-Associated Hereditary Breast and Ovarian Cancer. Identifiers: Orphanet 145, MedGen C0677776, MeSH D061325, MONDO:0003582. Disease mechanism: loss of function.
Fanconi anemia complementation group D1. Also called: BRCA2-Related Fanconi Anemia. Identifiers: Orphanet 319462, MedGen C1838457, MONDO:0011584, OMIM 605724.
Breast-ovarian cancer, familial, susceptibility to, 2 (BROVCA2). Also called: BRCA2 Hereditary Breast and Ovarian Cancer. Identifiers: Orphanet 145, MedGen C2675520, MONDO:0012933, OMIM 612555. Disease mechanism: loss of function.
Hereditary cancer-predisposing syndrome. Also called: Hereditary Cancer Syndrome; Neoplastic Syndromes, Hereditary; Tumor predisposition; Hereditary neoplastic syndrome. Identifiers: Orphanet 140162, MedGen C0027672, MeSH D009386, MONDO:0015356.

Allele frequency attached by ClinVar (database versions not stated): ExAC 0.00001; TOPMed 0.00001; gnomAD 0.00003 and 0.00004; gnomAD exomes 0.00003.

Submissions (9):

Labcorp Genetics (formerly Invitae), Labcorp
Classification: Uncertain significance for Hereditary breast ovarian cancer syndrome. Last evaluated: 2025-12-22. Review status: criteria provided, single submitter. Criteria: Invitae Variant Classification Sherloc (09022015). Collection method: clinical testing. Allele origin: germline.
Comment: This sequence change replaces serine, which is neutral and polar, with glycine, which is neutral and non-polar, at codon 2705 of the BRCA2 protein (p.Ser2705Gly). This variant is present in population databases (rs756105620, gnomAD 0.004%). This variant has not been reported in the literature in individuals affected with BRCA2-related conditions. ClinVar contains an entry for this variant (Variation ID: 279706). Invitae Evidence Modeling of protein sequence and biophysical properties (such as structural, functional, and spatial information, amino acid conservation, physicochemical variation, residue mobility, and thermodynamic stability) indicates that this missense variant is not expected to disrupt BRCA2 protein function with a negative predictive value of 95%. In summary, the available evidence is currently insufficient to determine the role of this variant in disease. Therefore, it has been classified as a Variant of Uncertain Significance.

Quest Diagnostics Nichols Institute San Juan Capistrano
Classification: Uncertain significance. Last evaluated: 2025-10-20. Review status: criteria provided, single submitter. Criteria: Quest Diagnostics criteria. Collection method: clinical testing. Allele origin: unknown.
Comment: The BRCA2 c.8113A>G (p.Ser2705Gly) variant has been reported in the published literature in individuals with breast cancer (PMID: 33471991 (2021), see also LOVD), and in reportedly unaffected individuals (PMID: 38153744 (2023)). This variant was reported in a multifactorial likelihood study (PMID: 31131967 (2019)). Experimental evidence regarding the effect of this variant on protein function is inconclusive (PMIDs: 39779848 (2025), 33691754 (2021)). The frequency of this variant in the general population (Genome Aggregation Database) is uninformative in the assessment of its pathogenicity. Analysis of this variant using bioinformatics tools for the prediction of the effect of amino acid changes on protein structure and function yielded predictions that this variant is benign. Based on the available information, we are unable to determine the clinical significance of this variant.

Catlab - Consorci Sanitari de Terrassa
Classification: Uncertain significance for Hereditary cancer-predisposing syndrome. Last evaluated: 2025-10-06. Review status: criteria provided, single submitter. Criteria: ClinGen BRCA1BRCA2 ACMG Specifications BRCA2 V1.2.0. Collection method: clinical testing. Allele origin: germline.
Comment: Based on the currently available information, this variant is classified as Uncertain Significance according to ClinGen-BRCA2 v1.2.0 guidelines. ACMG criteria: PP4, BP4 (point system classification).

Ambry Genetics
Classification: Benign for Hereditary cancer-predisposing syndrome. Last evaluated: 2025-05-09. Review status: criteria provided, single submitter. Criteria: Ambry Variant Classification Scheme 2023. Collection method: clinical testing. Allele origin: germline.

Molecular Diagnostics Laboratory, Catalan Institute of Oncology
Classification: Uncertain significance for Hereditary cancer-predisposing syndrome. Last evaluated: 2025-03-19. Review status: criteria provided, single submitter. Criteria: ClinGen BRCA1BRCA2 ACMG Specifications BRCA2 V1.0.0. Collection method: clinical testing. Allele origin: germline.
Comment: PP4, BP4 c.8113A>G, located in exon 18 of the BRCA2 gene, is predicted to result in the substitution of serine by glycine at codon 2705, p.(Ser2705Gly). This variant is found in 6/268218 alleles at a frequency of 0.002% in the gnomAD v2.1.1 database, non-cancer dataset. The SpliceAI algorithm predicts no significant impact on splicing and the BayesDel noAF score (-0.29) suggests that it does not affect the protein function (BP4). To our knowledge, neither relevant clinical data nor well-established functional studies have been reported for this variant. This variant has been found in patients affected by breast, ovarian, colon and pancreas cancer (data from our internal cohort of patients). Multifactorial likelihood analysis for this variant reports a combined LR of 2.15 (PMID: 31131967)(PP4). This variant has been reported in the ClinVar database (1x benign, 1x likely benign, 5x uncertain significance), in the LOVD database (10x uncertain significance) and in BRCA Exchange database (not yet classified). Based on currently available information, the variant c.8113A>G should be considered an uncertain significance variant according to ClinGen ENIGMA BRCA1 and BRCA2 Expert Panel Specifications to the ACMG/AMP Variant Interpretation Guidelines for BRCA2 Version 1.0.0.

All of Us Research Program, National Institutes of Health
Classification: Likely benign for Breast-ovarian cancer, familial, susceptibility to, 2. Last evaluated: 2023-07-22. Review status: criteria provided, single submitter. Criteria: ACMG Guidelines, 2015. Collection method: clinical testing. Allele origin: germline. Inheritance: Autosomal dominant inheritance. Observed: 1 variant allele, 1 heterozygote.
Comment: This study involves interpretation of variants in research participants for the purpose of population health screening. Participant phenotype was not available at the time of variant classification. Additional details can be found in publication PMID: 35346344, PMCID: PMC8962531

GeneDx
Classification: Uncertain significance. Last evaluated: 2021-11-30. Review status: criteria provided, single submitter. Criteria: GeneDx Variant Classification Process June 2021. Collection method: clinical testing. Allele origin: germline. Affected: yes.
Comment: In silico analysis supports that this missense variant does not alter protein structure/function; Has not been previously published as pathogenic or benign to our knowledge; Also known as 8341A>G; This variant is associated with the following publications: (PMID: 25348012, 12228710, 31131967)

Women's Health and Genetics/Laboratory Corporation of America, LabCorp
Classification: Uncertain significance. Last evaluated: 2020-12-28. Review status: criteria provided, single submitter. Criteria: LabCorp Variant Classification Summary - May 2015. Collection method: clinical testing. Allele origin: germline.
Comment: Variant summary: BRCA2 c.8113A>G (p.Ser2705Gly) results in a non-conservative amino acid change located in the BRCA2, OB1 domain of the encoded protein sequence. Four of five in-silico tools predict a benign effect of the variant on protein function. The variant allele was found at a frequency of 2.8e-05 in 251350 control chromosomes (gnomAD). The available data on variant occurrences in the general population are insufficient to allow any conclusion about variant significance. To our knowledge, no occurrence of c.8113A>G in individuals affected with Hereditary Breast And Ovarian Cancer Syndrome and no experimental evidence demonstrating its impact on protein function have been reported. One co-occurrence with another pathogenic variant has been reported (BRCA1 c.4066C>T, p.Gln1356X), providing supporting evidence for a benign role. Five ClinVar submitters (evaluation after 2014) cite the variant as uncertain significance (4x) and likely benign (1x). Based on the evidence outlined above, the variant was classified as uncertain significance.

Color Diagnostics, LLC DBA Color Health
Classification: Likely benign for Hereditary cancer-predisposing syndrome. Last evaluated: 2017-08-22. Review status: criteria provided, single submitter. Criteria: ACMG Guidelines, 2015. Collection method: clinical testing. Allele origin: germline.

Literature cited by the submitters: PubMed 33691754 (cited by Quest Diagnostics Nichols Institute San Juan Capistrano); PubMed 31131967 (cited by Quest Diagnostics Nichols Institute San Juan Capistrano); PubMed 39779848 (cited by Quest Diagnostics Nichols Institute San Juan Capistrano); PubMed 38153744 (cited by Quest Diagnostics Nichols Institute San Juan Capistrano); PubMed 25348012 (cited by Ambry Genetics).

NM_000059.4(BRCA2):c.8113A>G (p.Ser2705Gly)

Gene: BRCA2 (BRCA2 DNA repair associated; plus strand). Cytogenetic location: 13q13.1.
Variant type: single nucleotide variant.
Coding change: c.8113A>G on transcript NM_000059.4 (MANE Select); coding-DNA position 8113, A replaced by G.
Protein change: p.Ser2705Gly; replaces serine 2705 with glycine.
Molecular consequence: missense variant.
Genome position (GRCh38, 1-based): chr13:32,363,315, A>G. VCF-style: chr13-32363315-A-G. GRCh37 (hg19) VCF-style: chr13-32937452-A-G.
Other names: short protein forms S2705G.
Identifiers: ClinVar variation 279706 (VCV000279706.33), dbSNP rs756105620, ClinGen allele CA6941189.
Genomic context (GRCh38, chr13:32,363,315, plus strand): 5'-ACACTTGTTCTCTGTGTTTCTGACATAATTTCATTGAGCGCAAATATATCTGAAACTTCT[A>G]GCAATAAAACTAGTAGTGCAGATACCCAAAAAGTGGCCATTATTGAACTTACAGATGGGT-3'
Protein context (NP_000050.3, residues 2695-2715): SLSANISETS[Ser2705Gly]NKTSSADTQK